The following is an entry in ClinVar:

NM_001605.3(AARS1):c.824G>A (p.Gly275Asp)

Gene: AARS1 (alanyl-tRNA synthetase 1; minus strand). Cytogenetic location: 16q22.1.
Variant type: single nucleotide variant.
Coding change: c.824G>A on transcript NM_001605.3 (MANE Select); coding-DNA position 824, G replaced by A.
Protein change: p.Gly275Asp; replaces glycine 275 with aspartic acid.
Molecular consequence: missense variant.
Genome position (GRCh38, 1-based): chr16:70,269,756, C>T on the plus strand (G>A on the coding strand, the complement: AARS1 is on the minus strand). VCF-style: chr16-70269756-C-T. GRCh37 (hg19) VCF-style: chr16-70303659-C-T.
Other names: short protein forms G275D.
Identifiers: ClinVar variation 320348 (VCV000320348.23), dbSNP rs11537667, ClinGen allele CA8141018.

ClinVar aggregate classification (germline): Benign. Review status: criteria provided, multiple submitters, no conflicts (2 of 4 stars). 7 submissions from 7 submitters: Benign (7). Last evaluated 2026-02-03.

Conditions:
Charcot-Marie-Tooth disease axonal type 2N (CMT2N). Also called: CHARCOT-MARIE-TOOTH DISEASE, AXONAL, AUTOSOMAL DOMINANT, TYPE 2N; CHARCOT-MARIE-TOOTH NEUROPATHY, AXONAL, TYPE 2N; Charcot-Marie-Tooth Neuropathy Type 2N. Identifiers: Orphanet 228174, MedGen C2750090, MONDO:0013212, OMIM 613287.
Charcot-Marie-Tooth disease type 2. Also called: Charcot-Marie-Tooth type 2. Identifiers: Orphanet 64746, MedGen C0270914, MONDO:0018993.

Allele frequency attached by ClinVar (database versions not stated): ExAC 0.02191; gnomAD 0.07143 and 0.07667; 1000 Genomes Project 0.08347; gnomAD exomes 0.01778 and 0.00661; ESP Exome Variant Server 0.07787; TOPMed 0.07899; 1000 Genomes Project 30x 0.08854.

Submissions (7):

Labcorp Genetics (formerly Invitae), Labcorp
Classification: Benign for Charcot-Marie-Tooth disease type 2. Last evaluated: 2026-02-03. Review status: criteria provided, single submitter. Criteria: Invitae Variant Classification Sherloc (09022015). Collection method: clinical testing. Allele origin: germline.

ARUP Laboratories, Molecular Genetics and Genomics, ARUP Laboratories
Classification: Benign. Last evaluated: 2025-04-08. Review status: criteria provided, single submitter. Criteria: ARUP Molecular Germline Variant Investigation Process 2024. Collection method: clinical testing. Allele origin: germline.

Mendelics
Classification: Benign for Charcot-Marie-Tooth disease axonal type 2N. Last evaluated: 2019-05-28. Review status: criteria provided, single submitter. Criteria: Mendelics Assertion Criteria 2017. Collection method: clinical testing. Allele origin: unknown.

Illumina Laboratory Services, Illumina
Classification: Benign for Charcot-Marie-Tooth disease axonal type 2N. Last evaluated: 2018-01-12. Review status: criteria provided, single submitter. Criteria: ICSL Variant Classification Criteria 13 December 2019. Collection method: clinical testing. Allele origin: germline.
Comment: This variant was observed in the ICSL laboratory as part of a predisposition screen in an ostensibly healthy population. It had not been previously curated by ICSL or reported in the Human Gene Mutation Database (HGMD: prior to June 1st, 2018), and was therefore a candidate for classification through an automated scoring system. Utilizing variant allele frequency, disease prevalence and penetrance estimates, and inheritance mode, an automated score was calculated to assess if this variant is too frequent to cause the disease. Based on the score and internal cut-off values, a variant classified as benign is not then subjected to further curation. The score for this variant resulted in a classification of benign for this disease.

Mayo Clinic Laboratories, Mayo Clinic
Classification: Benign. Last evaluated: 2016-05-13. Review status: criteria provided, single submitter. Criteria: ACMG Guidelines, 2015. Collection method: clinical testing. Allele origin: germline. Observed: 46 variant alleles.

GeneDx
Classification: Benign. Last evaluated: 2015-03-03. Review status: criteria provided, single submitter. Criteria: GeneDx Variant Classification Process June 2021. Collection method: clinical testing. Allele origin: germline. Affected: yes.

Breakthrough Genomics
Classification: Benign. Review status: criteria provided, single submitter. Criteria: ACMG Guidelines, 2015. Collection method: not provided. Allele origin: germline. Inheritance: Autosomal recessive inheritance. Affected: yes.